The following is an entry in ClinVar:

ClinVar aggregate classification (germline): Likely benign (0 of 4 stars; one submission).

Conditions:
RHOG-related condition.

gnomAD v4.1: 2,464 of 1,614,276 alleles (0.15%); highest among the groups gnomAD compares: Non-Finnish European, 0.2%; 5 homozygotes.

Submission:

PreventionGenetics, part of Exact Sciences
Classification: Likely benign for RHOG-related condition. Last evaluated: 2024-04-29. Review status: no assertion criteria provided. Collection method: clinical testing. Allele origin: germline.
Comment: This variant is classified as likely benign based on ACMG/AMP sequence variant interpretation guidelines (Richards et al. 2015 PMID: 25741868, with internal and published modifications).

NM_001665.4(RHOG):c.133G>A (p.Ala45Thr)

Gene: RHOG (ras homolog family member G; minus strand). Cytogenetic location: 11p15.4.
Variant type: single nucleotide variant.
Coding change: c.133G>A on transcript NM_001665.4 (MANE Select); coding-DNA position 133, G replaced by A.
Protein change: p.Ala45Thr; replaces alanine 45 with threonine.
Molecular consequence: missense variant.
Genome position (GRCh38, 1-based): chr11:3,828,006, C>T on the plus strand (G>A on the coding strand, the complement: RHOG is on the minus strand). VCF-style: chr11-3828006-C-T. GRCh37 (hg19) VCF-style: chr11-3849236-C-T.
Other names: short protein forms A45T.
Identifiers: ClinVar variation 3350246 (VCV003350246.1).
Genomic context (GRCh38, chr11:3,828,006, plus strand): 5'-CATACTCCTCCTGGCCCGCAGTGTCCCACAGGTTCAGGTTCACTGTGCGCCCGTCAACTG[C>T]GCTCTGCGCGCTGTAATTGTCGAACACGGTGGGGATGTACTCTTTGGGGAAAGCGTTAGT-3'
Protein context (NP_001656.2, residues 35-55): TVFDNYSAQS[Ala45Thr]VDGRTVNLNL